The following is an entry in ClinVar:

ClinVar aggregate classification (germline): Uncertain significance (1 of 4 stars; one submission).

Conditions:
Charcot-Marie-Tooth disease dominant intermediate C (CMTDIC). Also called: CHARCOT-MARIE-TOOTH NEUROPATHY, DOMINANT INTERMEDIATE C. Identifiers: Orphanet 100045, MedGen C1842237, MONDO:0012012, OMIM 608323.

Allele frequency attached by ClinVar (database versions not stated): gnomAD exomes below 0.00001.
gnomAD v4.1: 6 of 1,614,222 alleles (0.00037%); highest among the groups gnomAD compares: Non-Finnish European, 0.00051%; no homozygotes.

Submission:

Labcorp Genetics (formerly Invitae), Labcorp
Classification: Uncertain significance for Charcot-Marie-Tooth disease dominant intermediate C. Last evaluated: 2017-10-14. Review status: criteria provided, single submitter. Criteria: Invitae Variant Classification Sherloc (09022015). Collection method: clinical testing. Allele origin: germline.
Comment: In summary, the available evidence is currently insufficient to determine the role of this variant in disease. Therefore, it has been classified as a Variant of Uncertain Significance. The current clinical and genetic evidence is not sufficient to establish whether loss-of-function variants in YARS cause disease. Algorithms developed to predict the effect of sequence changes on RNA splicing suggest that this variant may disrupt the consensus splice site, but this prediction has not been confirmed by published transcriptional studies. This variant has not been reported in the literature in individuals with YARS-related disease. This variant is not present in population databases (ExAC no frequency). This sequence change affects a donor splice site in intron 12 of the YARS gene. It is expected to disrupt RNA splicing and likely results in an absent or disrupted protein product.

NM_003680.4(YARS1):c.1476+2T>C

Gene: YARS1 (tyrosyl-tRNA synthetase 1; minus strand). Cytogenetic location: 1p35.1.
Variant type: single nucleotide variant.
Coding change: c.1476+2T>C on transcript NM_003680.4 (MANE Select); the canonical splice donor site of the intron after coding-DNA position 1476, T replaced by C.
Molecular consequence: splice donor variant.
Genome position (GRCh38, 1-based): chr1:32,779,380, A>G on the plus strand (T>C on the coding strand, the complement: YARS1 is on the minus strand). VCF-style: chr1-32779380-A-G. GRCh37 (hg19) VCF-style: chr1-33244981-A-G.
Identifiers: ClinVar variation 533465 (VCV000533465.7), dbSNP rs1553122620, ClinGen allele CA339679869.